The following is an entry in ClinVar:

NM_001625.4(AK2):c.35A>G (p.Tyr12Cys)

Genes: AK2 (adenylate kinase 2; minus strand), LOC129930068 (ATAC-STARR-seq lymphoblastoid active region 705; plus strand). Cytogenetic location: 1p35.1.
Variant type: single nucleotide variant.
Coding change: c.35A>G on transcript NM_001625.4 (MANE Select); coding-DNA position 35, A replaced by G.
Protein change: p.Tyr12Cys; replaces tyrosine 12 with cysteine.
Molecular consequence: missense variant. On other transcripts: 5 prime UTR variant (2), non-coding transcript variant (1).
Genome position (GRCh38, 1-based): chr1:33,036,794, T>C on the plus strand (A>G on the coding strand, the complement: AK2 is on the minus strand). VCF-style: chr1-33036794-T-C. GRCh37 (hg19) VCF-style: chr1-33502395-T-C.
Other names: c.35A>G, p.Tyr12Cys (NM_001199199.3, NM_001319141.3, NM_001319142.3 and 2 more transcripts); c.-228A>G (NM_001319139.3, NM_001319140.2); short protein forms Y12C.
Identifiers: ClinVar variation 1382763 (VCV001382763.6), dbSNP rs763415295, ClinGen allele CA747284.

ClinVar aggregate classification (germline): Uncertain significance (1 of 4 stars; one submission).

Conditions:
Reticular dysgenesis. Also called: ALEUKOCYTOSIS; CONGENITAL ALEUKIA; HEMATOPOIETIC HYPOPLASIA, GENERALIZED; RETICULAR DYSGENESIA; SEVERE COMBINED IMMUNODEFICIENCY WITH LEUKOPENIA; DeVaal disease. Identifiers: Orphanet 33355, MedGen C0272167, MONDO:0009973, OMIM 267500.

Allele frequency attached by ClinVar (database versions not stated): ExAC 0.00004.

Submission:

Labcorp Genetics (formerly Invitae), Labcorp
Classification: Uncertain significance for Reticular dysgenesis. Last evaluated: 2021-10-25. Review status: criteria provided, single submitter. Criteria: Invitae Variant Classification Sherloc (09022015). Collection method: clinical testing. Allele origin: germline.
Comment: This variant has not been reported in the literature in individuals affected with AK2-related conditions. In summary, the available evidence is currently insufficient to determine the role of this variant in disease. Therefore, it has been classified as a Variant of Uncertain Significance. Algorithms developed to predict the effect of missense changes on protein structure and function output the following: SIFT: "Tolerated"; PolyPhen-2: "Benign"; Align-GVGD: "Class C0". The cysteine amino acid residue is found in multiple mammalian species, which suggests that this missense change does not adversely affect protein function. The frequency data for this variant in the population databases is considered unreliable, as metrics indicate poor data quality at this position in the ExAC database. This sequence change replaces tyrosine with cysteine at codon 12 of the AK2 protein (p.Tyr12Cys). The tyrosine residue is weakly conserved and there is a large physicochemical difference between tyrosine and cysteine.